The following is an entry in ClinVar:

NM_032447.5(FBN3):c.7103G>A (p.Arg2368His)

Gene: FBN3 (fibrillin 3; minus strand). Cytogenetic location: 19p13.2.
Variant type: single nucleotide variant.
Coding change: c.7103G>A on transcript NM_032447.5 (MANE Select); coding-DNA position 7103, G replaced by A.
Protein change: p.Arg2368His; replaces arginine 2368 with histidine.
Molecular consequence: missense variant.
Genome position (GRCh38, 1-based): chr19:8,083,357, C>T on the plus strand (G>A on the coding strand, the complement: FBN3 is on the minus strand). VCF-style: chr19-8083357-C-T. GRCh37 (hg19) VCF-style: chr19-8148241-C-T.
Other names: c.7103G>A (NM_032447.3); c.7103G>A, p.Arg2368His (NM_001321431.2); short protein forms R2368H.
Identifiers: ClinVar variation 2987856 (VCV002987856.4), dbSNP rs372200406, ClinGen allele CA9150991.

ClinVar aggregate classification (germline): Conflicting classifications of pathogenicity. Review status: criteria provided, conflicting classifications (1 of 4 stars). 2 submissions from 2 submitters: Uncertain significance (1); Likely benign (1). Last evaluated 2025-12-21.

Allele frequency attached by ClinVar (database versions not stated): gnomAD exomes 0.00008; gnomAD 0.00004; ESP Exome Variant Server 0.00023; ExAC 0.00006; TOPMed 0.00005.
gnomAD v4.1: 119 of 1,613,850 alleles (0.0074%); highest among the groups gnomAD compares: Non-Finnish European, 0.009%; no homozygotes.

Submissions (2):

Labcorp Genetics (formerly Invitae), Labcorp
Classification: Uncertain significance. Last evaluated: 2025-12-21. Review status: criteria provided, single submitter. Criteria: Invitae Variant Classification Sherloc (09022015). Collection method: clinical testing. Allele origin: germline.
Comment: This sequence change replaces arginine, which is basic and polar, with histidine, which is basic and polar, at codon 2368 of the FBN3 protein (p.Arg2368His). This variant is present in population databases (rs372200406, gnomAD 0.01%). This variant has not been reported in the literature in individuals affected with FBN3-related conditions. ClinVar contains an entry for this variant (Variation ID: 2987856). Invitae Evidence Modeling of protein sequence and biophysical properties (such as structural, functional, and spatial information, amino acid conservation, physicochemical variation, residue mobility, and thermodynamic stability) indicates that this missense variant is not expected to disrupt FBN3 protein function with a negative predictive value of 80%. In summary, the available evidence is currently insufficient to determine the role of this variant in disease. Therefore, it has been classified as a Variant of Uncertain Significance.

Ambry Genetics
Classification: Likely benign. Last evaluated: 2024-07-22. Review status: criteria provided, single submitter. Criteria: Ambry Variant Classification Scheme 2023. Collection method: clinical testing. Allele origin: germline.